The following is an entry in ClinVar:

NM_032444.4(SLX4):c.4921dup (p.Val1641fs)

Gene: SLX4 (SLX4 structure-specific endonuclease subunit; minus strand). Cytogenetic location: 16p13.3.
Variant type: Duplication.
Coding change: c.4921dup on transcript NM_032444.4 (MANE Select); coding-DNA position 4921, one base duplicated (G; older notation c.4921dupG).
Protein change: p.Val1641fs; shifts the reading frame from valine 1641.
Molecular consequence: frameshift variant.
Genome position (GRCh38, 1-based): chr16:3,583,329, C duplicated on the plus strand (G on the coding strand, the reverse complement: SLX4 is on the minus strand); the first of 4 consecutive C bases (chr16:3,583,329-3,583,332); duplicating any one gives the same sequence. VCF-style (leftmost placement, unchanged base first): chr16-3583328-A-AC. GRCh37 (hg19) VCF-style: chr16-3633329-A-AC.
Other names: short protein forms V1641fs.
Identifiers: ClinVar variation 1323618 (VCV001323618.6), dbSNP rs770425994, ClinGen allele CA7865463.
Genomic context (GRCh38, chr16:3,583,328, plus strand): 5'-TTAGCAGGTCCCTTGGGCCTATGGGCCCCAGGTCCTGTGGTGGCCTCCTGCTGGGCATGG[A>AC]CCCCTGCCCTTGAAGGCTTGTAGGTCTGGGAGGCGAGGGTCTGGCAGTGAGGCGCCTGCA-3'

ClinVar aggregate classification (germline): Conflicting classifications of pathogenicity. Review status: criteria provided, conflicting classifications (1 of 4 stars). 2 submissions from 2 submitters: Pathogenic (1); Uncertain significance (1). Last evaluated 2025-06-09.

Conditions:
Fanconi anemia complementation group P. Also called: SLX4-Related Fanconi Anemia. Identifiers: Orphanet 84, MedGen C3469542, MONDO:0013499, OMIM 613951.
Fanconi anemia (FA). Also called: Fanconi's anemia. Identifiers: Orphanet 84, MedGen C0015625, MeSH D005199, MONDO:0019391.

Submissions (2):

Labcorp Genetics (formerly Invitae), Labcorp
Classification: Pathogenic for Fanconi anemia. Last evaluated: 2025-06-09. Review status: criteria provided, single submitter. Criteria: Invitae Variant Classification Sherloc (09022015). Collection method: clinical testing. Allele origin: germline.
Comment: This sequence change creates a premature translational stop signal (p.Val1641Glyfs*15) in the SLX4 gene. It is expected to result in an absent or disrupted protein product. Loss-of-function variants in SLX4 are known to be pathogenic (PMID: 21240277). This variant is present in population databases (rs770425994, gnomAD 0.02%). This variant has not been reported in the literature in individuals affected with SLX4-related conditions. ClinVar contains an entry for this variant (Variation ID: 1323618). For these reasons, this variant has been classified as Pathogenic.

Neuberg Centre For Genomic Medicine, NCGM
Classification: Uncertain significance for Fanconi anemia complementation group P. Review status: criteria provided, single submitter. Criteria: ACMG Guidelines, 2015. Collection method: clinical testing. Allele origin: germline. Inheritance: Autosomal recessive inheritance. Affected: yes.
Comment: The frameshift variant c.4921dup (p.Val1641GlyfsTer15) has not been reported previously as a pathogenic variant nor as a benign variant, to our knowledge. This variant is reported with the allele frequency (0.003%) in the gnomAD and novel in 1000 genome database. Since this variant is present in the penultimate exon functional studies will be required to prove protein truncation. Hence the variant is classified as Uncertain Significance.

Literature cited by the submitters: PubMed 21240277 (cited by Labcorp Genetics (formerly Invitae), Labcorp).